The following is an entry in ClinVar:

ClinVar aggregate classification (germline): Pathogenic (1 of 4 stars; one submission).

Conditions:
Intellectual disability-facial dysmorphism syndrome due to SETD5 haploinsufficiency (MRD23). Also called: Intellectual developmental disorder, autosomal dominant 23. Identifiers: Orphanet 404440, MedGen C3810406, MONDO:0014336, OMIM 615761.

gnomAD v4.1: 1 of 1,613,768 alleles (0.000062%); highest among the groups gnomAD compares: African/African-American, 0.0013%; no homozygotes.

Submission:

Institute of Immunology and Genetics Kaiserslautern
Classification: Pathogenic for Intellectual disability-facial dysmorphism syndrome due to SETD5 haploinsufficiency. Last evaluated: 2026-03-03. Review status: criteria provided, single submitter. Criteria: ACMG Guidelines, 2015. Collection method: clinical testing. Allele origin: paternal. Affected: yes.
Comment: ACMG Criteria: PVS1, PM2; Variant was found in heterozygous state.

NM_001080517.3(SETD5):c.811-1G>C

Gene: SETD5 (SET domain containing 5; plus strand). Cytogenetic location: 3p25.3.
Variant type: single nucleotide variant.
Coding change: c.811-1G>C on transcript NM_001080517.3 (MANE Select); the canonical splice acceptor site of the intron before coding-DNA position 811, G replaced by C.
Molecular consequence: splice acceptor variant.
Genome position (GRCh38, 1-based): chr3:9,441,592, G>C. VCF-style: chr3-9441592-G-C. GRCh37 (hg19) VCF-style: chr3-9483276-G-C.
Other names: c.811-1G>C (NM_001437643.1); c.517-1G>C (NM_001349451.2, NM_001292043.2); c.907-1G>C (NM_001437633.1); c.868-1G>C (NM_001437635.1); c.850-1G>C (NM_001437701.1).
Identifiers: ClinVar variation 4851418 (VCV004851418.1).